The following is an entry in ClinVar:

ClinVar aggregate classification (germline): Uncertain significance. Review status: criteria provided, multiple submitters, no conflicts (2 of 4 stars). 2 submissions from 2 submitters: Uncertain significance (2). Last evaluated 2024-08-19.

Conditions:
Cardiovascular phenotype. Identifiers: MedGen CN230736.
RASopathy. Also called: rasopathies; Noonan spectrum disorder. Identifiers: Orphanet 536391, MedGen C5555857, MONDO:0021060.

Allele frequency attached by ClinVar (database versions not stated): gnomAD below 0.00001 and 0.00001; gnomAD exomes 0.00001; ExAC 0.00002.
gnomAD v4.1: 17 of 1,613,866 alleles (0.0011%); highest among the groups gnomAD compares: South Asian, 0.018%; no homozygotes.

Submissions (2):

Ambry Genetics
Classification: Uncertain significance for Cardiovascular phenotype. Last evaluated: 2024-08-19. Review status: criteria provided, single submitter. Criteria: Ambry Variant Classification Scheme 2023. Collection method: clinical testing. Allele origin: germline.
Comment: The p.G440V variant (also known as c.1319G>T), located in coding exon 9 of the CBL gene, results from a G to T substitution at nucleotide position 1319. The glycine at codon 440 is replaced by valine, an amino acid with dissimilar properties. This amino acid position is conserved. In addition, the in silico prediction for this alteration is inconclusive. Based on the available evidence, the clinical significance of this variant remains unclear.

Labcorp Genetics (formerly Invitae), Labcorp
Classification: Uncertain significance for RASopathy. Last evaluated: 2022-03-19. Review status: criteria provided, single submitter. Criteria: Invitae Variant Classification Sherloc (09022015). Collection method: clinical testing. Allele origin: germline.
Comment: ClinVar contains an entry for this variant (Variation ID: 651612). In summary, the available evidence is currently insufficient to determine the role of this variant in disease. Therefore, it has been classified as a Variant of Uncertain Significance. Advanced modeling of protein sequence and biophysical properties (such as structural, functional, and spatial information, amino acid conservation, physicochemical variation, residue mobility, and thermodynamic stability) performed at Invitae indicates that this missense variant is not expected to disrupt CBL protein function. This variant has not been reported in the literature in individuals affected with CBL-related conditions. This variant is present in population databases (rs757570929, gnomAD 0.01%). This sequence change replaces glycine, which is neutral and non-polar, with valine, which is neutral and non-polar, at codon 440 of the CBL protein (p.Gly440Val).

NM_005188.4(CBL):c.1319G>T (p.Gly440Val)

Gene: CBL (Cbl proto-oncogene; plus strand). Cytogenetic location: 11q23.3.
Variant type: single nucleotide variant.
Coding change: c.1319G>T on transcript NM_005188.4 (MANE Select); coding-DNA position 1319, G replaced by T.
Protein change: p.Gly440Val; replaces glycine 440 with valine.
Molecular consequence: missense variant.
Genome position (GRCh38, 1-based): chr11:119,278,601, G>T. VCF-style: chr11-119278601-G-T. GRCh37 (hg19) VCF-style: chr11-119149311-G-T.
Other names: c.1319G>T (NM_005188.2); short protein forms G440V.
Identifiers: ClinVar variation 651612 (VCV000651612.9), dbSNP rs757570929, ClinGen allele CA6318497.
Genomic context (GRCh38, chr11:119,278,601, plus strand): 5'-GATGTGAAATTAAAGGTACTGAACCCATCGTGGTAGATCCGTTTGATCCTAGAGGGAGTG[G>T]CAGCCTGTTGAGGCAAGGAGCAGAGGGAGCTCCCTCCCCAAATTATGATGATGATGATGA-3'
Protein context (NP_005179.2, residues 430-450): VVDPFDPRGS[Gly440Val]SLLRQGAEGA